The following is an entry in ClinVar:

NM_000545.8(HNF1A):c.587C>G (p.Thr196Ser)

Gene: HNF1A (HNF1 homeobox A; plus strand). Cytogenetic location: 12q24.31.
Variant type: single nucleotide variant.
Coding change: c.587C>G on transcript NM_000545.8 (MANE Select); coding-DNA position 587, C replaced by G.
Protein change: p.Thr196Ser; replaces threonine 196 with serine.
Molecular consequence: missense variant.
Genome position (GRCh38, 1-based): chr12:120,993,580, C>G. VCF-style: chr12-120993580-C-G. GRCh37 (hg19) VCF-style: chr12-121431383-C-G.
Other names: c.587C>G, p.Thr196Ser (NM_001306179.2, NM_001406915.1); short protein forms T196S.
Identifiers: ClinVar variation 3574286 (VCV003574286.2).

ClinVar aggregate classification (germline): Uncertain significance. Review status: criteria provided, multiple submitters, no conflicts (2 of 4 stars). 2 submissions from 2 submitters: Uncertain significance (2). Last evaluated 2025-06-12.

Conditions:
Hepatic adenomas, familial. Also called: LIVER CELL ADENOMAS, FAMILIAL; HEPATIC ADENOMA, SOMATIC. Identifiers: MedGen C1840646, MONDO:0007718, OMIM 142330.
Type 1 diabetes mellitus 20 (T1D20). Also called: Diabetes mellitus, insulin-dependent, 20. Identifiers: MedGen C2675866, MONDO:0012919, OMIM 612520.
Type 2 diabetes mellitus. Also called: Type II diabetes mellitus. Identifiers: MedGen C0011860, MeSH D003924, MONDO:0005148, OMIM 125853, HP:0005978.
Diabetes mellitus type 1 (T1D). Also called: Diabetes Mellitus, Juvenile-Onset; Type I diabetes mellitus. Identifiers: MedGen C0011854, MONDO:0005147, OMIM 222100, HP:0100651.
Maturity-onset diabetes of the young type 3. Also called: MODY type 3; MODY, type III. Identifiers: Orphanet 552, MedGen C1838100, MeSH C563933, MONDO:0010894, OMIM 600496. Disease mechanism: loss of function.
Nonpapillary renal cell carcinoma. Identifiers: Orphanet 422526, MedGen CN074294, MONDO:0007763, OMIM 144700.

gnomAD v4.1: 1 of 1,614,114 alleles (0.000062%); no homozygotes.

Submissions (2):

Labcorp Genetics (formerly Invitae), Labcorp
Classification: Uncertain significance. Last evaluated: 2025-06-12. Review status: criteria provided, single submitter. Criteria: Invitae Variant Classification Sherloc (09022015). Collection method: clinical testing. Allele origin: germline.
Comment: This sequence change replaces threonine, which is neutral and polar, with serine, which is neutral and polar, at codon 196 of the HNF1A protein (p.Thr196Ser). This variant is not present in population databases (gnomAD no frequency). This variant has not been reported in the literature in individuals affected with HNF1A-related conditions. ClinVar contains an entry for this variant (Variation ID: 3574286). Invitae Evidence Modeling of protein sequence and biophysical properties (such as structural, functional, and spatial information, amino acid conservation, physicochemical variation, residue mobility, and thermodynamic stability) indicates that this missense variant is not expected to disrupt HNF1A protein function with a negative predictive value of 80%. In summary, the available evidence is currently insufficient to determine the role of this variant in disease. Therefore, it has been classified as a Variant of Uncertain Significance.

Fulgent Genetics
Classification: Uncertain significance for Type 2 diabetes mellitus; Hepatic adenomas, familial; Nonpapillary renal cell carcinoma; Diabetes mellitus type 1; Maturity-onset diabetes of the young type 3; Type 1 diabetes mellitus 20. Last evaluated: 2024-02-20. Review status: criteria provided, single submitter. Criteria: ACMG Guidelines, 2015. Collection method: clinical testing. Allele origin: germline.